The following is an entry in ClinVar:

NM_024422.6(DSC2):c.1907C>T (p.Ser636Phe)

Gene: DSC2 (desmocollin 2; minus strand). Cytogenetic location: 18q12.1.
Variant type: single nucleotide variant.
Coding change: c.1907C>T on transcript NM_024422.6 (MANE Select); coding-DNA position 1907, C replaced by T.
Protein change: p.Ser636Phe; replaces serine 636 with phenylalanine.
Molecular consequence: missense variant.
Genome position (GRCh38, 1-based): chr18:31,071,823, G>A on the plus strand (C>T on the coding strand, the complement: DSC2 is on the minus strand). VCF-style: chr18-31071823-G-A. GRCh37 (hg19) VCF-style: chr18-28651789-G-A.
Other names: c.1907C>T, p.Ser636Phe (NM_004949.5); c.1907C>T (NM_024422.3); short protein forms S636F.
Identifiers: ClinVar variation 536267 (VCV000536267.11), dbSNP rs764355417, ClinGen allele CA402113469.
Genomic context (GRCh38, chr18:31,071,823, plus strand): 5'-AGTCTATCTCTCACTGTTATAGGTACTACATATGAGCCAAATGGAGGATCATTCTGATAG[G>A]AAAGACGTGCTGCTGTATCTGAAAATATAAATAAATAAAACCAAACATTATACAATGTCA-3'
Protein context (NP_077740.1, residues 626-646): KAINDTAARL[Ser636Phe]YQNDPPFGSY

ClinVar aggregate classification (germline): Uncertain significance. Review status: criteria provided, multiple submitters, no conflicts (2 of 4 stars). 3 submissions from 3 submitters: Uncertain significance (3). Last evaluated 2025-10-13.

Conditions:
Familial isolated arrhythmogenic right ventricular dysplasia. Identifiers: Orphanet 217656, MedGen C4274968, MONDO:0016342.
Cardiovascular phenotype. Identifiers: MedGen CN230736.
Arrhythmogenic right ventricular dysplasia 11. Also called: Arrhythmogenic right ventricular dysplasia 11 with mild palmoplantar keratoderma and woolly hair; Arrhythmogenic Right Ventricular Dysplasia/Cardiomyopathy11; ARRHYTHMOGENIC RIGHT VENTRICULAR DYSPLASIA, FAMILIAL, 11. Identifiers: MedGen C1864850, MONDO:0012506, OMIM 610476.

Allele frequency attached by ClinVar (database versions not stated): gnomAD 0.00001; TOPMed 0.00001.

Submissions (3):

Labcorp Genetics (formerly Invitae), Labcorp
Classification: Uncertain significance for Arrhythmogenic right ventricular dysplasia 11. Last evaluated: 2025-10-13. Review status: criteria provided, single submitter. Criteria: Invitae Variant Classification Sherloc (09022015). Collection method: clinical testing. Allele origin: germline.
Comment: This sequence change replaces serine, which is neutral and polar, with phenylalanine, which is neutral and non-polar, at codon 636 of the DSC2 protein (p.Ser636Phe). This variant is present in population databases (no rsID available, gnomAD 0.0009%). This variant has not been reported in the literature in individuals affected with DSC2-related conditions. ClinVar contains an entry for this variant (Variation ID: 536267). Invitae Evidence Modeling of protein sequence and biophysical properties (such as structural, functional, and spatial information, amino acid conservation, physicochemical variation, residue mobility, and thermodynamic stability) indicates that this missense variant is not expected to disrupt DSC2 protein function with a negative predictive value of 80%. In summary, the available evidence is currently insufficient to determine the role of this variant in disease. Therefore, it has been classified as a Variant of Uncertain Significance.

Ambry Genetics
Classification: Uncertain significance for Cardiovascular phenotype. Last evaluated: 2025-06-30. Review status: criteria provided, single submitter. Criteria: Ambry Variant Classification Scheme 2023. Collection method: clinical testing. Allele origin: germline.
Comment: The p.S636F variant (also known as c.1907C>T), located in coding exon 13 of the DSC2 gene, results from a C to T substitution at nucleotide position 1907. The serine at codon 636 is replaced by phenylalanine, an amino acid with highly dissimilar properties. This amino acid position is conserved. In addition, this alteration is predicted to be tolerated by in silico analysis. Based on the available evidence, the clinical significance of this variant remains unclear.

All of Us Research Program, National Institutes of Health
Classification: Uncertain significance for Familial isolated arrhythmogenic right ventricular dysplasia. Last evaluated: 2023-05-04. Review status: criteria provided, single submitter. Criteria: ACMG Guidelines, 2015. Collection method: clinical testing. Allele origin: germline. Inheritance: Autosomal dominant inheritance. Observed: 1 variant allele, 1 heterozygote.
Comment: This missense variant replaces serine with phenylalanine at codon 636 of the DSC2 protein. Computational prediction suggests that this variant may not impact protein structure and function (internally defined REVEL score threshold <= 0.5, PMID: 27666373). To our knowledge, functional studies have not been reported for this variant. This variant has not been reported in individuals affected with DSC2-related disorders in the literature. This variant has been identified in 1/250424 chromosomes in the general population by the Genome Aggregation Database (gnomAD). The available evidence is insufficient to determine the role of this variant in disease conclusively. Therefore, this variant is classified as a Variant of Uncertain Significance.

This study involves interpretation of variants in research participants for the purpose of population health screening. Participant phenotype was not available at the time of variant classification. Additional details can be found in publication PMID: 35346344, PMCID: PMC8962531